The following is an entry in ClinVar:

NM_201384.3(PLEC):c.7665G>A (p.Ala2555=)

Gene: PLEC (plectin; minus strand). Cytogenetic location: 8q24.3.
Variant type: single nucleotide variant.
Coding change: c.7665G>A on transcript NM_201384.3 (MANE Select); coding-DNA position 7665, G replaced by A.
Protein change: p.Ala2555=; no amino-acid change (alanine 2555 retained).
Molecular consequence: synonymous variant.
Genome position (GRCh38, 1-based): chr8:143,922,156, C>T on the plus strand (G>A on the coding strand, the complement: PLEC is on the minus strand). VCF-style: chr8-143922156-C-T. GRCh37 (hg19) VCF-style: chr8-144996324-C-T.
Other names: c.7746G>A, p.Ala2582= (NM_000445.5); c.7623G>A, p.Ala2541= (NM_201378.4); c.7599G>A, p.Ala2533= (NM_201379.3); c.8076G>A, p.Ala2692= (NM_201380.4); c.7569G>A, p.Ala2523= (NM_201381.3); c.7665G>A, p.Ala2555= (NM_201382.4); c.7677G>A, p.Ala2559= (NM_201383.3).
Identifiers: ClinVar variation 497083 (VCV000497083.14), dbSNP rs567558623, ClinGen allele CA4925553.

ClinVar aggregate classification (germline): Conflicting classifications of pathogenicity. Review status: criteria provided, conflicting classifications (1 of 4 stars). 3 submissions from 3 submitters: Uncertain significance (1); Likely benign (2). Last evaluated 2026-02-18.

Conditions:
Autosomal recessive limb-girdle muscular dystrophy type 2Q (LGMDR17). Also called: MUSCULAR DYSTROPHY, LIMB-GIRDLE, AUTOSOMAL RECESSIVE 17. Identifiers: Orphanet 254361, MedGen C3150989, MONDO:0013390, OMIM 613723.
Epidermolysis bullosa simplex 5B, with muscular dystrophy (EBS5B). Also called: EPIDERMOLYSIS BULLOSA SIMPLEX AND LIMB-GIRDLE MUSCULAR DYSTROPHY; Epidermolysis bullosa simplex with muscular dystrophy. Identifiers: Orphanet 257, MedGen C2931072, MONDO:0009181, OMIM 226670.
Epidermolysis bullosa simplex, Ogna type (EBS5A). Also called: Pidermolysis bullosa simplex 5A, Ogna type; EPIDERMOLYSIS BULLOSA SIMPLEX 5A, OGNA TYPE. Identifiers: Orphanet 79401, MedGen C0432317, MONDO:0007555, OMIM 131950.
Epidermolysis bullosa simplex with nail dystrophy (EBS5D). Identifiers: MedGen C4225309, MONDO:0014661, OMIM 616487.
Epidermolysis bullosa simplex 5C, with pyloric atresia (EBS5C). Also called: PLEC-Related Epidermolysis Bullosa with Pyloric Atresia; Epidermolysis bullosa simplex with pyloric atresia; PLEC1-Related Epidermolysis Bullosa with Pyloric Atresia. Identifiers: Orphanet 158684, MedGen C2677349, MONDO:0012807, OMIM 612138.
PLEC-related disorder. Also called: PLEC-related disorders; PLEC-related condition.

Allele frequency attached by ClinVar (database versions not stated): ExAC below 0.00001; gnomAD exomes 0.00001 and 0.00003; gnomAD 0.00002 and 0.00003; TOPMed 0.00002; 1000 Genomes Project 30x 0.00016; 1000 Genomes Project 0.00020.
gnomAD v4.1: 46 of 1,540,540 alleles (0.003%); highest among the groups gnomAD compares: East Asian, 0.019%; no homozygotes.

Submissions (3):

PreventionGenetics, part of Exact Sciences
Classification: Likely benign for PLEC-related condition. Last evaluated: 2026-02-18. Review status: criteria provided, single submitter. Criteria: ACMG Guidelines, 2015. Collection method: clinical testing. Allele origin: germline.
Comment: This variant is classified as likely benign based on ACMG/AMP sequence variant interpretation guidelines (Richards et al. 2015 PMID: 25741868, with internal and published modifications).

Labcorp Genetics (formerly Invitae), Labcorp
Classification: Likely benign for Autosomal recessive limb-girdle muscular dystrophy type 2Q; Epidermolysis bullosa simplex, Ogna type; Epidermolysis bullosa simplex with nail dystrophy; Epidermolysis bullosa simplex 5C, with pyloric atresia; Epidermolysis bullosa simplex 5B, with muscular dystrophy. Last evaluated: 2024-11-02. Review status: criteria provided, single submitter. Criteria: Invitae Variant Classification Sherloc (09022015). Collection method: clinical testing. Allele origin: germline.

Eurofins Ntd Llc (ga)
Classification: Uncertain significance. Last evaluated: 2017-03-17. Review status: criteria provided, single submitter. Criteria: EGL Classification Definitions 2015. Collection method: clinical testing. Allele origin: germline. Observed: 2 variant alleles, 2 heterozygotes.